The following is an entry in ClinVar:

ClinVar aggregate classification (germline): Conflicting classifications of pathogenicity. Review status: criteria provided, conflicting classifications (1 of 4 stars). 5 submissions from 5 submitters: Uncertain significance (1); Likely benign (4). Last evaluated 2025-10-09.

Conditions:
Maturity-onset diabetes of the young (MODY). Also called: Maturity onset diabetes mellitus in young. Identifiers: Orphanet 552, MedGen C0342276, MONDO:0018911, HP:0004904.

Allele frequency attached by ClinVar (database versions not stated): gnomAD 0.00005; gnomAD exomes 0.00005 and 0.00011; TOPMed 0.00005; ExAC 0.00003; 1000 Genomes Project 30x 0.00016; 1000 Genomes Project 0.00020.
gnomAD v4.1: 171 of 1,614,250 alleles (0.011%); highest among the groups gnomAD compares: Non-Finnish European, 0.014%; no homozygotes.

Submissions (5):

Labcorp Genetics (formerly Invitae), Labcorp
Classification: Likely benign. Last evaluated: 2025-10-09. Review status: criteria provided, single submitter. Criteria: Invitae Variant Classification Sherloc (09022015). Collection method: clinical testing. Allele origin: germline.

Women's Health and Genetics/Laboratory Corporation of America, LabCorp
Classification: Likely benign. Last evaluated: 2024-12-06. Review status: criteria provided, single submitter. Criteria: LabCorp Variant Classification Summary - May 2015. Collection method: clinical testing. Allele origin: germline.

Genetic Services Laboratory, University of Chicago
Classification: Likely benign. Last evaluated: 2018-04-26. Review status: criteria provided, single submitter. Criteria: ACMG Guidelines, 2015. Collection method: clinical testing. Allele origin: germline. Affected: no.

GeneDx
Classification: Likely benign. Last evaluated: 2016-07-21. Review status: criteria provided, single submitter. Criteria: GeneDx Variant Classification (06012015). Collection method: clinical testing. Allele origin: germline. Affected: yes.
Comment: This variant is considered likely benign or benign based on one or more of the following criteria: it is a conservative change, it occurs at a poorly conserved position in the protein, it is predicted to be benign by multiple in silico algorithms, and/or has population frequency not consistent with disease.

Clinical Genomics, Uppaluri K&H Personalized Medicine Clinic
Classification: Uncertain significance for Maturity-onset diabetes of the young. Review status: criteria provided, single submitter. Criteria: K&H Uppaluri Personalized Medicine Clinic Variant Classification & Assertion Criteria. Collection method: research. Allele origin: somatic. Inheritance: Autosomal dominant inheritance.
Comment: Mutations in KCNJ11 gene can cause decreased production and secretion of insulin. This can lead to MODY which may be responsive to oral sulfonylureas. It is also associated with with Neonatal Diabetes. However, no sufficient evidence is found to ascertain the role of rs200855007 variant in MODY yet.

Literature cited by the submitters: PubMed 26448950 (cited by Clinical Genomics, Uppaluri K&H Personalized Medicine Clinic); PubMed 15580558 (cited by Clinical Genomics, Uppaluri K&H Personalized Medicine Clinic); PubMed 15718250 (cited by Clinical Genomics, Uppaluri K&H Personalized Medicine Clinic); PubMed 32935446 (cited by Clinical Genomics, Uppaluri K&H Personalized Medicine Clinic); PubMed 22701567 (cited by Clinical Genomics, Uppaluri K&H Personalized Medicine Clinic).

NM_000525.4(KCNJ11):c.903C>T (p.Arg301=)

Gene: KCNJ11 (potassium inwardly rectifying channel subfamily J member 11; minus strand). Cytogenetic location: 11p15.1.
Variant type: single nucleotide variant.
Coding change: c.903C>T on transcript NM_000525.4 (MANE Select); coding-DNA position 903, C replaced by T.
Protein change: p.Arg301=; no amino-acid change (arginine 301 retained).
Molecular consequence: synonymous variant.
Genome position (GRCh38, 1-based): chr11:17,387,189, G>A on the plus strand (C>T on the coding strand, the complement: KCNJ11 is on the minus strand). VCF-style: chr11-17387189-G-A. GRCh37 (hg19) VCF-style: chr11-17408736-G-A.
Other names: c.642C>T, p.Arg214= (NM_001166290.2, NM_001377296.1, NM_001377297.1).
Identifiers: ClinVar variation 387867 (VCV000387867.17), dbSNP rs200855007, ClinGen allele CA5902224.